The following is an entry in ClinVar:

ClinVar aggregate classification (germline): Likely benign (1 of 4 stars; one submission).

Allele frequency attached by ClinVar (database versions not stated): gnomAD exomes below 0.00001.

Submission:

CeGaT Center for Human Genetics Tuebingen
Classification: Likely benign. Last evaluated: 2023-07-01. Review status: criteria provided, single submitter. Criteria: CeGaT Center For Human Genetics Tuebingen Variant Classification Criteria Version 2. Collection method: clinical testing. Allele origin: germline. Affected: yes. Observed: 1 variant allele.
Comment: CACNA1A: PM2:Supporting, BP4, BP7

NM_001127222.2(CACNA1A):c.3084G>A (p.Arg1028=)

Gene: CACNA1A (calcium voltage-gated channel subunit alpha1 A; minus strand). Cytogenetic location: 19p13.13.
Variant type: single nucleotide variant.
Coding change: c.3084G>A on transcript NM_001127222.2 (MANE Select); coding-DNA position 3084, G replaced by A.
Protein change: p.Arg1028=; no amino-acid change (arginine 1028 retained).
Molecular consequence: synonymous variant.
Genome position (GRCh38, 1-based): chr19:13,298,549, C>T on the plus strand (G>A on the coding strand, the complement: CACNA1A is on the minus strand). VCF-style: chr19-13298549-C-T. GRCh37 (hg19) VCF-style: chr19-13409363-C-T.
Other names: c.3096G>A, p.Arg1032= (NM_000068.4, NM_023035.3); c.3087G>A, p.Arg1029= (NM_001127221.2, NM_001174080.2).
Identifiers: ClinVar variation 2649386 (VCV002649386.24), dbSNP rs2512904296, ClinGen allele CA505784858.